The following is an entry in ClinVar:

NM_022167.4(XYLT2):c.2345G>C (p.Ser782Thr)

Gene: XYLT2 (xylosyltransferase 2; plus strand). Cytogenetic location: 17q21.33.
Variant type: single nucleotide variant.
Coding change: c.2345G>C on transcript NM_022167.4 (MANE Select); coding-DNA position 2345, G replaced by C.
Protein change: p.Ser782Thr; replaces serine 782 with threonine.
Molecular consequence: missense variant.
Genome position (GRCh38, 1-based): chr17:50,360,038, G>C. VCF-style: chr17-50360038-G-C. GRCh37 (hg19) VCF-style: chr17-48437399-G-C.
Other names: short protein forms S782T.
Identifiers: ClinVar variation 1447018 (VCV001447018.3), dbSNP rs201353829, ClinGen allele CA8646717.

ClinVar aggregate classification (germline): Uncertain significance (1 of 4 stars; one submission).

Allele frequency attached by ClinVar (database versions not stated): gnomAD 0.00002 and 0.00003; TOPMed 0.00003; 1000 Genomes Project 30x 0.00016; ExAC 0.00003; gnomAD exomes 0.00004; 1000 Genomes Project 0.00020.
gnomAD v4.1: 31 of 1,613,970 alleles (0.0019%); highest among the groups gnomAD compares: East Asian, 0.042%; no homozygotes.

Submission:

Labcorp Genetics (formerly Invitae), Labcorp
Classification: Uncertain significance. Last evaluated: 2021-11-03. Review status: criteria provided, single submitter. Criteria: Invitae Variant Classification Sherloc (09022015). Collection method: clinical testing. Allele origin: germline.
Comment: This sequence change replaces serine, which is neutral and polar, with threonine, which is neutral and polar, at codon 782 of the XYLT2 protein (p.Ser782Thr). This variant is present in population databases (rs201353829, gnomAD 0.04%). This variant has not been reported in the literature in individuals affected with XYLT2-related conditions. Algorithms developed to predict the effect of missense changes on protein structure and function (SIFT, PolyPhen-2, Align-GVGD) all suggest that this variant is likely to be tolerated. In summary, the available evidence is currently insufficient to determine the role of this variant in disease. Therefore, it has been classified as a Variant of Uncertain Significance.